The following is an entry in ClinVar:

ClinVar aggregate classification (germline): Likely pathogenic (1 of 4 stars; one submission).

Conditions:
Nephrotic syndrome, type 2 (NPHS2). Also called: NEPHROTIC SYNDROME, STEROID-RESISTANT, AUTOSOMAL RECESSIVE. Identifiers: Orphanet 656, MedGen C1868672, MONDO:0010974, OMIM 600995.

Submission:

Myriad Genetics, Inc.
Classification: Likely pathogenic for Nephrotic syndrome, type 2. Last evaluated: 2025-04-07. Review status: criteria provided, single submitter. Criteria: Myriad Autosomal Dominant, Autosomal Recessive and X-Linked Classification Criteria (2023). Collection method: clinical testing. Allele origin: unknown.
Comment: NM_014625.2(NPHS2):c.534+2_534+9del8ins10 is a variant in a canonical splice site classified as likely pathogenic in the context of nephrotic syndrome, NPHS2-related. c.534+2_534+9del8ins10 has not been observed in cases with relevant disease. Relevant functional assessments of this variant are not available in the literature. c.534+2_534+9del8ins10 has not been observed in referenced population frequency databases. In summary, NM_014625.2(NPHS2):c.534+2_534+9del8ins10 is a variant in a canonical splice site in a gene where loss of function is a known mechanism of disease and is predicted to disrupt protein function. Please note: this variant was assessed in the context of healthy population screening.

NM_014625.4(NPHS2):c.534+2_534+9delinsCTTTTGCCTC

Gene: NPHS2 (NPHS2 stomatin family member, podocin; minus strand). Cytogenetic location: 1q25.2.
Variant type: Indel.
Coding change: c.534+2_534+9delinsCTTTTGCCTC on transcript NM_014625.4 (MANE Select); the canonical splice donor site of the intron after coding-DNA position 534 through 9 bases into the intron after coding-DNA position 534, TAAGCCAA replaced by CTTTTGCCTC.
Molecular consequence: splice donor variant.
Genome position (GRCh38, 1-based): chr1:179,559,670-179,559,677, TTGGCTTA replaced by GAGGCAAAAG on the plus strand (TAAGCCAA replaced by CTTTTGCCTC on the coding strand, the reverse complement: NPHS2 is on the minus strand). VCF-style: chr1-179559670-TTGGCTTA-GAGGCAAAAG. GRCh37 (hg19) VCF-style: chr1-179528805-TTGGCTTA-GAGGCAAAAG.
Other names: c.534+2_534+9delinsCTTTTGCCTC (NM_001297575.2).
Identifiers: ClinVar variation 4081756 (VCV004081756.1).
Genomic context (GRCh38, chr1:179,559,670, plus strand): 5'-ATCATTTTGTCCACGGTAGGTAGACCATGGAAAATGTATAGAGAAAGCAAAAGCCATCAT[TTGGCTTA>GAGGCAAAAG]CCTCATGAAAAGGTATCTCCAGAGTTTGGAGACGAAGGTCAACCTTGTGGTAGGTATCCA-3'